The following is an entry in ClinVar:

ClinVar aggregate classification (germline): Uncertain significance (1 of 4 stars; one submission).

Conditions:
Dextro-looped transposition of the great arteries. Also called: Dextrotransposition of the great arteries. Identifiers: Orphanet 860, MedGen C3531771, MONDO:0019443, OMIM 608808, HP:0031348.

Allele frequency attached by ClinVar (database versions not stated): gnomAD exomes below 0.00001.
gnomAD v4.1: 2 of 1,613,494 alleles (0.00012%); highest among the groups gnomAD compares: East Asian, 0.0022%; no homozygotes.

Submission:

Labcorp Genetics (formerly Invitae), Labcorp
Classification: Uncertain significance for Dextro-looped transposition of the great arteries. Last evaluated: 2023-10-03. Review status: criteria provided, single submitter. Criteria: Invitae Variant Classification Sherloc (09022015). Collection method: clinical testing. Allele origin: germline.
Comment: This sequence change replaces isoleucine, which is neutral and non-polar, with valine, which is neutral and non-polar, at codon 335 of the MED13L protein (p.Ile335Val). This variant is not present in population databases (gnomAD no frequency). This variant has not been reported in the literature in individuals affected with MED13L-related conditions. Advanced modeling of protein sequence and biophysical properties (such as structural, functional, and spatial information, amino acid conservation, physicochemical variation, residue mobility, and thermodynamic stability) performed at Invitae indicates that this missense variant is not expected to disrupt MED13L protein function. In summary, the available evidence is currently insufficient to determine the role of this variant in disease. Therefore, it has been classified as a Variant of Uncertain Significance.

NM_015335.5(MED13L):c.1003A>G (p.Ile335Val)

Gene: MED13L (mediator complex subunit 13L; minus strand). Cytogenetic location: 12q24.21.
Variant type: single nucleotide variant.
Coding change: c.1003A>G on transcript NM_015335.5 (MANE Select); coding-DNA position 1003, A replaced by G.
Protein change: p.Ile335Val; replaces isoleucine 335 with valine.
Molecular consequence: missense variant.
Genome position (GRCh38, 1-based): chr12:116,019,230, T>C on the plus strand (A>G on the coding strand, the complement: MED13L is on the minus strand). VCF-style: chr12-116019230-T-C. GRCh37 (hg19) VCF-style: chr12-116457035-T-C.
Other names: short protein forms I335V.
Identifiers: ClinVar variation 2990797 (VCV002990797.3), dbSNP rs2499943294, ClinGen allele CA386899184.